The following is an entry in ClinVar:

NM_014000.3(VCL):c.1276A>G (p.Lys426Glu)

Gene: VCL (vinculin; plus strand). Cytogenetic location: 10q22.2.
Variant type: single nucleotide variant.
Coding change: c.1276A>G on transcript NM_014000.3 (MANE Select); coding-DNA position 1276, A replaced by G.
Protein change: p.Lys426Glu; replaces lysine 426 with glutamic acid.
Molecular consequence: missense variant.
Genome position (GRCh38, 1-based): chr10:74,090,122, A>G. VCF-style: chr10-74090122-A-G. GRCh37 (hg19) VCF-style: chr10-75849880-A-G.
Other names: c.1276A>G, p.Lys426Glu (NM_003373.4); short protein forms K426E.
Identifiers: ClinVar variation 2420379 (VCV002420379.5), dbSNP rs1281442445, ClinGen allele CA377273273.

ClinVar aggregate classification (germline): Uncertain significance. Review status: criteria provided, multiple submitters, no conflicts (2 of 4 stars). 2 submissions from 2 submitters: Uncertain significance (2). Last evaluated 2025-08-28.

Conditions:
Cardiovascular phenotype. Identifiers: MedGen CN230736.
Dilated cardiomyopathy 1W (CMD1W). Identifiers: Orphanet 154, MedGen C1969639, MONDO:0012667, OMIM 611407.

Allele frequency attached by ClinVar (database versions not stated): TOPMed below 0.00001.

Submissions (2):

Ambry Genetics
Classification: Uncertain significance for Cardiovascular phenotype. Last evaluated: 2025-08-28. Review status: criteria provided, single submitter. Criteria: Ambry Variant Classification Scheme 2023. Collection method: clinical testing. Allele origin: germline.
Comment: The p.K426E variant (also known as c.1276A>G), located in coding exon 10 of the VCL gene, results from an A to G substitution at nucleotide position 1276. The lysine at codon 426 is replaced by glutamic acid, an amino acid with similar properties. This amino acid position is conserved. In addition, the in silico prediction for this alteration is inconclusive. Based on the available evidence, the clinical significance of this variant remains unclear.

Labcorp Genetics (formerly Invitae), Labcorp
Classification: Uncertain significance for Dilated cardiomyopathy 1W. Last evaluated: 2022-02-19. Review status: criteria provided, single submitter. Criteria: Invitae Variant Classification Sherloc (09022015). Collection method: clinical testing. Allele origin: germline.
Comment: This sequence change replaces lysine, which is basic and polar, with glutamic acid, which is acidic and polar, at codon 426 of the VCL protein (p.Lys426Glu). This variant is not present in population databases (gnomAD no frequency). This variant has not been reported in the literature in individuals affected with VCL-related conditions. Algorithms developed to predict the effect of missense changes on protein structure and function are either unavailable or do not agree on the potential impact of this missense change (SIFT: "Not Available"; PolyPhen-2: "Benign"; Align-GVGD: "Not Available"). In summary, the available evidence is currently insufficient to determine the role of this variant in disease. Therefore, it has been classified as a Variant of Uncertain Significance.